The following is an entry in ClinVar:

ClinVar aggregate classification (germline): Uncertain significance (1 of 4 stars; one submission).

gnomAD v4.1: 1 of 1,579,774 alleles (0.000063%); highest among the groups gnomAD compares: Non-Finnish European, 0.000086%; no homozygotes.

Submission:

Ambry Genetics
Classification: Uncertain significance. Last evaluated: 2025-02-16. Review status: criteria provided, single submitter. Criteria: Ambry Variant Classification Scheme 2023. Collection method: clinical testing. Allele origin: germline.
Comment: The p.A2165V variant (also known as c.6494C>T), located in coding exon 27 of the WNK2 gene, results from a C to T substitution at nucleotide position 6494. The alanine at codon 2165 is replaced by valine, an amino acid with similar properties. This amino acid position is conserved. In addition, this alteration is predicted to be tolerated by in silico analysis. Based on the available evidence, the clinical significance of this variant remains unclear.

NM_006648.4(WNK2):c.6494C>T (p.Ala2165Val)

Gene: WNK2 (WNK lysine deficient protein kinase 2; plus strand). Cytogenetic location: 9q22.31.
Variant type: single nucleotide variant.
Coding change: c.6494C>T on transcript NM_006648.4 (MANE Select); coding-DNA position 6494, C replaced by T.
Protein change: p.Ala2165Val; replaces alanine 2165 with valine.
Molecular consequence: missense variant.
Genome position (GRCh38, 1-based): chr9:93,308,562, C>T. VCF-style: chr9-93308562-C-T. GRCh37 (hg19) VCF-style: chr9-96070844-C-T.
Other names: c.6605C>T, p.Ala2202Val (NM_001282394.3); short protein forms A2165V, A2202V.
Identifiers: ClinVar variation 3817100 (VCV003817100.1).